The following is an entry in ClinVar:

NM_002075.4(GNB3):c.548_558del (p.His183fs)

Gene: GNB3 (G protein subunit beta 3; plus strand). Cytogenetic location: 12p13.31.
Variant type: Deletion.
Coding change: c.548_558del on transcript NM_002075.4 (MANE Select); coding-DNA positions 548 to 558, 11 bases deleted (ACACGGGTGAC).
Protein change: p.His183fs; shifts the reading frame from histidine 183.
Molecular consequence: frameshift variant.
Genome position (GRCh38, 1-based): chr12:6,843,827-6,843,837, ACACGGGTGAC deleted; deleting any 11 consecutive bases within chr12:6,843,824-6,843,837 gives the same sequence; the c. name uses the placement nearest the transcript's 3' end. VCF-style (leftmost placement, unchanged base first): chr12-6843823-GGACACACGGGT-G. GRCh37 (hg19) VCF-style: chr12-6952987-GGACACACGGGT-G.
Other names: c.545_555del, p.His182fs (NM_001297571.2); short protein forms H183fs, H182fs.
Identifiers: ClinVar variation 3725798 (VCV003725798.2).
Genomic context (GRCh38, chr12:6,843,823, plus strand): 5'-CTCCATTTTGGCAGTGCCTTGTGGGACATTGAGACTGGGCAGCAGAAGACTGTATTTGTG[GGACACACGGGT>G]GACTGCATGAGCCTGGCTGTGTCTCCTGACTTCAATCTCTTCATTTCGGGGGCCTGTGAT-3'

ClinVar aggregate classification (germline): Uncertain significance (1 of 4 stars; one submission).

Submission:

Labcorp Genetics (formerly Invitae), Labcorp
Classification: Uncertain significance. Last evaluated: 2024-11-29. Review status: criteria provided, single submitter. Criteria: Invitae Variant Classification Sherloc (09022015). Collection method: clinical testing. Allele origin: germline.
Comment: This sequence change creates a premature translational stop signal (p.His183Leufs*9) in the GNB3 gene. It is expected to result in an absent or disrupted protein product. However, the current clinical and genetic evidence is not sufficient to establish whether loss-of-function variants in GNB3 cause disease. This variant is not present in population databases (gnomAD no frequency). This variant has not been reported in the literature in individuals affected with GNB3-related conditions. In summary, the available evidence is currently insufficient to determine the role of this variant in disease. Therefore, it has been classified as a Variant of Uncertain Significance.